The following is an entry in ClinVar:

ClinVar aggregate classification (germline): Likely pathogenic. Review status: criteria provided, single submitter (1 of 4 stars). 2 submissions from 2 submitters: Likely pathogenic (1). 1 of the submissions does not count toward it. Last evaluated 2025-03-24.

Conditions:
Polycystic kidney disease 4 (PKD4). Also called: POLYCYSTIC KIDNEY AND HEPATIC DISEASE 1; POLYCYSTIC KIDNEY DISEASE, INFANTILE, TYPE I; POLYCYSTIC KIDNEY DISEASE 4 WITH OR WITHOUT POLYCYSTIC LIVER DISEASE; Autosomal Recessive Polycystic Kidney Disease – PKHD1; PKD3. Identifiers: MedGen C4540575, MONDO:0033004, OMIM 263200.
Autosomal recessive polycystic kidney disease (ARPKD). Also called: AR polycystic kidney disease. Identifiers: Orphanet 731, Orphanet 8378, MedGen C0085548, MeSH D017044, MONDO:0009889.

Allele frequency attached by ClinVar (database versions not stated): gnomAD exomes below 0.00001.
gnomAD v4.1: 1 of 1,601,512 alleles (0.000062%); highest among the groups gnomAD compares: Non-Finnish European, 0.000086%; no homozygotes.

Submissions (2):

Natera, Inc.
Classification: Likely pathogenic for Autosomal recessive polycystic kidney disease. Last evaluated: 2025-03-24. Review status: criteria provided, single submitter. Criteria: Natera Variant Classification Schema (03/2026). Collection method: clinical testing. Allele origin: germline.
Comment: The c.5600+1G>A variant in PKHD1 is a canonical splice donor site variant predicted to affect pre-mRNA splicing, which may result in an abnormal transcript and altered protein product. This variant is expected to result in nonsense mediated decay, truncation, or a dysfunctional protein product. This variant is rare in the general population with a frequency below the threshold expected for the associated phenotype(s). Given the available evidence, this variant is classified as Likely Pathogenic.

Baylor Genetics
Classification: Likely pathogenic for Polycystic kidney disease 4. Review status: no assertion criteria provided. Collection method: clinical testing. Allele origin: unknown. Not counted in ClinVar's aggregate classification.

NM_138694.4(PKHD1):c.5600+1G>A

Gene: PKHD1 (PKHD1 ciliary IPT domain containing fibrocystin/polyductin; minus strand). Cytogenetic location: 6p12.2.
Variant type: single nucleotide variant.
Coding change: c.5600+1G>A on transcript NM_138694.4 (MANE Select); the canonical splice donor site of the intron after coding-DNA position 5600, G replaced by A.
Molecular consequence: splice donor variant.
Genome position (GRCh38, 1-based): chr6:52,017,409, C>T on the plus strand (G>A on the coding strand, the complement: PKHD1 is on the minus strand). VCF-style: chr6-52017409-C-T. GRCh37 (hg19) VCF-style: chr6-51882207-C-T.
Other names: c.5600+1G>A (NM_170724.3).
Identifiers: ClinVar variation 813381 (VCV000813381.3), dbSNP rs1581763359, ClinGen allele CA364425291.
Genomic context (GRCh38, chr6:52,017,409, plus strand): 5'-TCCATCGGTCCATTGGCCAAGCATTTGTGGGGAAGTTCAGGGAGGGAGAAGGTAAAGTTA[C>T]CTGATAAAGAGGCCCGAGAATGATGGAAACATTGACTCTGCCCAATGATCTGGCACAAAG-3'